The following is an entry in ClinVar:

NM_000718.4(CACNA1B):c.979G>T (p.Ala327Ser)

Gene: CACNA1B (calcium voltage-gated channel subunit alpha1 B; plus strand). Cytogenetic location: 9q34.3.
Variant type: single nucleotide variant.
Coding change: c.979G>T on transcript NM_000718.4 (MANE Select); coding-DNA position 979, G replaced by T.
Protein change: p.Ala327Ser; replaces alanine 327 with serine.
Molecular consequence: missense variant.
Genome position (GRCh38, 1-based): chr9:137,952,286, G>T. VCF-style: chr9-137952286-G-T. GRCh37 (hg19) VCF-style: chr9-140846738-G-T.
Other names: c.979G>T, p.Ala327Ser (NM_001243812.2); short protein forms A327S.
Identifiers: ClinVar variation 1913240 (VCV001913240.2), dbSNP rs2539219602, ClinGen allele CA375800315.

ClinVar aggregate classification (germline): Uncertain significance (1 of 4 stars; one submission).

Allele frequency attached by ClinVar (database versions not stated): gnomAD exomes below 0.00001.
gnomAD v4.1: 2 of 1,613,604 alleles (0.00012%); highest among the groups gnomAD compares: Non-Finnish European, 0.00017%; no homozygotes.

Submission:

Labcorp Genetics (formerly Invitae), Labcorp
Classification: Uncertain significance. Last evaluated: 2022-03-13. Review status: criteria provided, single submitter. Criteria: Invitae Variant Classification Sherloc (09022015). Collection method: clinical testing. Allele origin: germline.
Comment: This sequence change replaces alanine, which is neutral and non-polar, with serine, which is neutral and polar, at codon 327 of the CACNA1B protein (p.Ala327Ser). This variant is not present in population databases (gnomAD no frequency). This variant has not been reported in the literature in individuals affected with CACNA1B-related conditions. Advanced modeling of protein sequence and biophysical properties (such as structural, functional, and spatial information, amino acid conservation, physicochemical variation, residue mobility, and thermodynamic stability) performed at Invitae indicates that this missense variant is not expected to disrupt CACNA1B protein function. In summary, the available evidence is currently insufficient to determine the role of this variant in disease. Therefore, it has been classified as a Variant of Uncertain Significance.